The following is an entry in ClinVar:

ClinVar aggregate classification (germline): Uncertain significance (1 of 4 stars; one submission).

Conditions:
Gastrointestinal stromal tumor. Also called: Gastrointestinal stromal tumor, somatic; Gastrointestinal stroma tumor. Identifiers: Orphanet 44890, MedGen C0238198, MeSH D046152, MONDO:0011719, OMIM 606764, HP:0100723.

Submission:

Labcorp Genetics (formerly Invitae), Labcorp
Classification: Uncertain significance for Gastrointestinal stromal tumor. Last evaluated: 2024-07-09. Review status: criteria provided, single submitter. Criteria: Invitae Variant Classification Sherloc (09022015). Collection method: clinical testing. Allele origin: germline.
Comment: This sequence change replaces phenylalanine, which is neutral and non-polar, with valine, which is neutral and non-polar, at codon 681 of the KIT protein (p.Phe681Val). This variant is not present in population databases (gnomAD no frequency). This variant has not been reported in the literature in individuals affected with KIT-related conditions. An algorithm developed to predict the effect of missense changes on protein structure and function (PolyPhen-2) suggests that this variant is likely to be disruptive. In summary, the available evidence is currently insufficient to determine the role of this variant in disease. Therefore, it has been classified as a Variant of Uncertain Significance.

NM_000222.3(KIT):c.2041T>G (p.Phe681Val)

Gene: KIT (KIT proto-oncogene, receptor tyrosine kinase; plus strand). Cytogenetic location: 4q12.
Variant type: single nucleotide variant.
Coding change: c.2041T>G on transcript NM_000222.3 (MANE Select); coding-DNA position 2041, T replaced by G.
Protein change: p.Phe681Val; replaces phenylalanine 681 with valine.
Molecular consequence: missense variant.
Genome position (GRCh38, 1-based): chr4:54,729,385, T>G. VCF-style: chr4-54729385-T-G. GRCh37 (hg19) VCF-style: chr4-55595551-T-G.
Other names: c.2029T>G, p.Phe677Val (NM_001093772.2, NM_001385286.1); c.2044T>G, p.Phe682Val (NM_001385284.1, NM_001385290.1); c.2041T>G, p.Phe681Val (NM_001385285.1); c.2032T>G, p.Phe678Val (NM_001385288.1, NM_001385292.1); short protein forms F681V, F682V, F677V, F678V.
Identifiers: ClinVar variation 3659063 (VCV003659063.2).